The following is an entry in ClinVar:

ClinVar aggregate classification (germline): Uncertain significance (1 of 4 stars; one submission).

Conditions:
Cardiovascular phenotype. Identifiers: MedGen CN230736.

Allele frequency attached by ClinVar (database versions not stated): gnomAD 0.00001; TOPMed 0.00001.

Submission:

Ambry Genetics
Classification: Uncertain significance for Cardiovascular phenotype. Last evaluated: 2025-11-15. Review status: criteria provided, single submitter. Criteria: Ambry Variant Classification Scheme 2023. Collection method: clinical testing. Allele origin: germline.
Comment: The p.A297T variant (also known as c.889G>A), located in coding exon 3 of the APOA5 gene, results from a G to A substitution at nucleotide position 889. The alanine at codon 297 is replaced by threonine, an amino acid with similar properties. This amino acid position is conserved. In addition, the in silico prediction for this alteration is inconclusive. Since supporting evidence is limited at this time, the clinical significance of this alteration remains unclear.

NM_001371904.1(APOA5):c.889G>A (p.Ala297Thr)

Gene: APOA5 (apolipoprotein A5; minus strand). Cytogenetic location: 11q23.3.
Variant type: single nucleotide variant.
Coding change: c.889G>A on transcript NM_001371904.1 (MANE Select); coding-DNA position 889, G replaced by A.
Protein change: p.Ala297Thr; replaces alanine 297 with threonine.
Molecular consequence: missense variant.
Genome position (GRCh38, 1-based): chr11:116,790,340, C>T on the plus strand (G>A on the coding strand, the complement: APOA5 is on the minus strand). VCF-style: chr11-116790340-C-T. GRCh37 (hg19) VCF-style: chr11-116661056-C-T.
Other names: c.889G>A, p.Ala297Thr (NM_001166598.2, NM_052968.5); short protein forms A297T.
Identifiers: ClinVar variation 2587095 (VCV002587095.3), dbSNP rs978653667, ClinGen allele CA229337270.